The following is an entry in ClinVar:

NM_001735.3(C5):c.1662A>G (p.Leu554=)

Gene: C5 (complement C5; minus strand). Cytogenetic location: 9q33.2.
Variant type: single nucleotide variant.
Coding change: c.1662A>G on transcript NM_001735.3 (MANE Select); coding-DNA position 1662, A replaced by G.
Protein change: p.Leu554=; no amino-acid change (leucine 554 retained).
Molecular consequence: synonymous variant.
Genome position (GRCh38, 1-based): chr9:121,017,697, T>C on the plus strand (A>G on the coding strand, the complement: C5 is on the minus strand). VCF-style: chr9-121017697-T-C. GRCh37 (hg19) VCF-style: chr9-123779975-T-C.
Other names: c.1680A>G, p.Leu560= (NM_001317163.2); c.1662A>G, p.Leu554= (NM_001317164.2).
Identifiers: ClinVar variation 2720573 (VCV002720573.5), dbSNP rs781079838, ClinGen allele CA5218016.

ClinVar aggregate classification (germline): Likely benign. Review status: criteria provided, single submitter (1 of 4 stars). 2 submissions from 2 submitters: Likely benign (1). 1 of the submissions does not count toward it. Last evaluated 2025-04-30.

Conditions:
C5-related disorder. Also called: C5-related condition.

Allele frequency attached by ClinVar (database versions not stated): TOPMed 0.00004; gnomAD 0.00005; ExAC 0.00002; gnomAD exomes below 0.00001.
gnomAD v4.1: 11 of 1,613,458 alleles (0.00068%); highest among the groups gnomAD compares: African/African-American, 0.015%; no homozygotes.

Submissions (2):

Labcorp Genetics (formerly Invitae), Labcorp
Classification: Likely benign. Last evaluated: 2025-04-30. Review status: criteria provided, single submitter. Criteria: Invitae Variant Classification Sherloc (09022015). Collection method: clinical testing. Allele origin: germline.

PreventionGenetics, part of Exact Sciences
Classification: Likely benign for C5-related condition. Last evaluated: 2020-07-02. Review status: no assertion criteria provided. Collection method: clinical testing. Allele origin: germline. Not counted in ClinVar's aggregate classification.
Comment: This variant is classified as likely benign based on ACMG/AMP sequence variant interpretation guidelines (Richards et al. 2015 PMID: 25741868, with internal and published modifications).